The following is an entry in ClinVar:

ClinVar aggregate classification (germline): Uncertain significance (1 of 4 stars; one submission).

Allele frequency attached by ClinVar (database versions not stated): TOPMed 0.00002.
gnomAD v4.1: 41 of 1,604,656 alleles (0.0026%); highest among the groups gnomAD compares: Non-Finnish European, 0.0034%; no homozygotes.

Submission:

Labcorp Genetics (formerly Invitae), Labcorp
Classification: Uncertain significance. Last evaluated: 2023-11-13. Review status: criteria provided, single submitter. Criteria: Invitae Variant Classification Sherloc (09022015). Collection method: clinical testing. Allele origin: germline.
Comment: This sequence change replaces arginine, which is basic and polar, with tryptophan, which is neutral and slightly polar, at codon 142 of the ATP6V1A protein (p.Arg142Trp). This variant is present in population databases (rs751090149, gnomAD 0.003%). This variant has not been reported in the literature in individuals affected with ATP6V1A-related conditions. ClinVar contains an entry for this variant (Variation ID: 2191165). An algorithm developed to predict the effect of missense changes on protein structure and function (PolyPhen-2) suggests that this variant is likely to be disruptive. Algorithms developed to predict the effect of sequence changes on RNA splicing suggest that this variant may disrupt the consensus splice site. In summary, the available evidence is currently insufficient to determine the role of this variant in disease. Therefore, it has been classified as a Variant of Uncertain Significance.

NM_001690.4(ATP6V1A):c.424C>T (p.Arg142Trp)

Gene: ATP6V1A (ATPase H+ transporting V1 subunit A; plus strand). Cytogenetic location: 3q13.31.
Variant type: single nucleotide variant.
Coding change: c.424C>T on transcript NM_001690.4 (MANE Select); coding-DNA position 424, C replaced by T.
Protein change: p.Arg142Trp; replaces arginine 142 with tryptophan.
Molecular consequence: missense variant.
Genome position (GRCh38, 1-based): chr3:113,784,436, C>T. VCF-style: chr3-113784436-C-T. GRCh37 (hg19) VCF-style: chr3-113503283-C-T.
Other names: short protein forms R142W.
Identifiers: ClinVar variation 2191165 (VCV002191165.4), dbSNP rs751090149, ClinGen allele CA2547826.
Genomic context (GRCh38, chr3:113,784,436, plus strand): 5'-GTAAACGTGTCTGCTCTTAGCAGAGATATCAAATGGGACTTTACACCTTGCAAAAACCTA[C>T]GGGTATGTCTGTGTAACCAAGAATTTCTGAAGTTATTGAAAGAATATAAAATGAATGTTT-3'
Protein context (NP_001681.2, residues 132-152): KWDFTPCKNL[Arg142Trp]VGSHITGGDI